The following is an entry in ClinVar:

ClinVar aggregate classification (germline): Uncertain significance (1 of 4 stars; one submission).

Allele frequency attached by ClinVar (database versions not stated): TOPMed below 0.00001; ExAC 0.00001; gnomAD 0.00001; gnomAD exomes 0.00001.
gnomAD v4.1: 9 of 1,613,608 alleles (0.00056%); highest among the groups gnomAD compares: Middle Eastern, 0.033%; no homozygotes.

Submission:

Labcorp Genetics (formerly Invitae), Labcorp
Classification: Uncertain significance. Last evaluated: 2022-06-08. Review status: criteria provided, single submitter. Criteria: Invitae Variant Classification Sherloc (09022015). Collection method: clinical testing. Allele origin: germline.
Comment: In summary, the available evidence is currently insufficient to determine the role of this variant in disease. Therefore, it has been classified as a Variant of Uncertain Significance. Algorithms developed to predict the effect of missense changes on protein structure and function are either unavailable or do not agree on the potential impact of this missense change (SIFT: "Deleterious"; PolyPhen-2: "Possibly Damaging"; Align-GVGD: "Class C15"). This variant has not been reported in the literature in individuals affected with TTLL5-related conditions. This variant is present in population databases (rs747857890, gnomAD 0.0009%). This sequence change replaces threonine, which is neutral and polar, with isoleucine, which is neutral and non-polar, at codon 334 of the TTLL5 protein (p.Thr334Ile).

NM_015072.5(TTLL5):c.1001C>T (p.Thr334Ile)

Gene: TTLL5 (tubulin tyrosine ligase like 5; plus strand). Cytogenetic location: 14q24.3.
Variant type: single nucleotide variant.
Coding change: c.1001C>T on transcript NM_015072.5 (MANE Select); coding-DNA position 1001, C replaced by T.
Protein change: p.Thr334Ile; replaces threonine 334 with isoleucine.
Molecular consequence: missense variant.
Genome position (GRCh38, 1-based): chr14:75,720,662, C>T. VCF-style: chr14-75720662-C-T. GRCh37 (hg19) VCF-style: chr14-76187005-C-T.
Other names: short protein forms T334I.
Identifiers: ClinVar variation 2001010 (VCV002001010.4), dbSNP rs747857890, ClinGen allele CA7279188.